The following is an entry in ClinVar:

NM_013247.5(HTRA2):c.174G>T (p.Trp58Cys)

Gene: HTRA2 (HtrA serine peptidase 2; plus strand). Cytogenetic location: 2p13.1.
Variant type: single nucleotide variant.
Coding change: c.174G>T on transcript NM_013247.5 (MANE Select); coding-DNA position 174, G replaced by T.
Protein change: p.Trp58Cys; replaces tryptophan 58 with cysteine.
Molecular consequence: missense variant. On other transcripts: non-coding transcript variant (1).
Genome position (GRCh38, 1-based): chr2:74,530,180, G>T. VCF-style: chr2-74530180-G-T. GRCh37 (hg19) VCF-style: chr2-74757307-G-T.
Other names: c.174G>T, p.Trp58Cys (NM_001321727.1, NM_001321728.1, NM_145074.2); short protein forms W58C.
Identifiers: ClinVar variation 2074634 (VCV002074634.1), dbSNP rs2529877730, ClinGen allele CA347376779.

ClinVar aggregate classification (germline): Uncertain significance (1 of 4 stars; one submission).

Submission:

Labcorp Genetics (formerly Invitae), Labcorp
Classification: Uncertain significance. Last evaluated: 2022-01-04. Review status: criteria provided, single submitter. Criteria: Invitae Variant Classification Sherloc (09022015). Collection method: clinical testing. Allele origin: germline.
Comment: This sequence change replaces tryptophan, which is neutral and slightly polar, with cysteine, which is neutral and slightly polar, at codon 58 of the HTRA2 protein (p.Trp58Cys). This variant is not present in population databases (gnomAD no frequency). This variant has not been reported in the literature in individuals affected with HTRA2-related conditions. Algorithms developed to predict the effect of missense changes on protein structure and function (SIFT, PolyPhen-2, Align-GVGD) all suggest that this variant is likely to be tolerated. In summary, the available evidence is currently insufficient to determine the role of this variant in disease. Therefore, it has been classified as a Variant of Uncertain Significance.